The following is an entry in ClinVar:

NM_001017995.3(SH3PXD2B):c.*3006C>T

Gene: SH3PXD2B (SH3 and PX domains 2B; minus strand). Cytogenetic location: 5q35.1.
Variant type: single nucleotide variant.
Coding change: c.*3006C>T on transcript NM_001017995.3 (MANE Select); 3006 bases downstream of the stop codon, C replaced by T.
Molecular consequence: 3 prime UTR variant. On other transcripts: intron variant (1).
Genome position (GRCh38, 1-based): chr5:172,335,363, G>A on the plus strand (C>T on the coding strand, the complement: SH3PXD2B is on the minus strand). VCF-style: chr5-172335363-G-A. GRCh37 (hg19) VCF-style: chr5-171762367-G-A.
Other names: c.1189-9983C>T (NM_001308175.2).
Identifiers: ClinVar variation 352750 (VCV000352750.5), dbSNP rs539299765, ClinGen allele CA10624017.

ClinVar aggregate classification (germline): Likely benign (1 of 4 stars; one submission).

Conditions:
Frank-Ter Haar syndrome. Also called: BORRONE DERMATOCARDIOSKELETAL SYNDROME; TER HAAR SYNDROME; MELNICK-NEEDLES SYNDROME, AUTOSOMAL RECESSIVE; Borrone di Rocco Crovato syndrome. Identifiers: Orphanet 1266, Orphanet 137834, MedGen C1855305, MONDO:0009579, OMIM 249420.

Allele frequency attached by ClinVar (database versions not stated): gnomAD 0.00001 and 0.00009; TOPMed 0.00002; gnomAD exomes 0.00007; 1000 Genomes Project 30x 0.00047; 1000 Genomes Project 0.00060.
gnomAD v4.1: 92 of 1,215,856 alleles (0.0076%); highest among the groups gnomAD compares: South Asian, 0.35%; no homozygotes.

Submission:

Illumina Laboratory Services, Illumina
Classification: Likely benign for Frank-Ter Haar syndrome. Last evaluated: 2018-01-13. Review status: criteria provided, single submitter. Criteria: ICSL Variant Classification Criteria 13 December 2019. Collection method: clinical testing. Allele origin: germline.
Comment: This variant was observed in the ICSL laboratory as part of a predisposition screen in an ostensibly healthy population. It had not been previously curated by ICSL or reported in the Human Gene Mutation Database (HGMD: prior to June 1st, 2018), and was therefore a candidate for classification through an automated scoring system. Utilizing variant allele frequency, disease prevalence and penetrance estimates, and inheritance mode, an automated score was calculated to assess if this variant is too frequent to cause the disease. Based on the score and internal cut-off values, a variant classified as likely benign is not then subjected to further curation. The score for this variant resulted in a classification of likely benign for this disease.